The following is an entry in ClinVar:

ClinVar aggregate classification (germline): Benign (1 of 4 stars; one submission).

Submission:

GeneDx
Classification: Benign. Last evaluated: 2018-06-16. Review status: criteria provided, single submitter. Criteria: GeneDx Variant Classification (06012015). Collection method: clinical testing. Allele origin: germline. Affected: yes.
Comment: This variant is considered likely benign or benign based on one or more of the following criteria: it is a conservative change, it occurs at a poorly conserved position in the protein, it is predicted to be benign by multiple in silico algorithms, and/or has population frequency not consistent with disease.

NM_024596.5(MCPH1):c.670+203dup

Gene: MCPH1 (microcephalin 1; plus strand). Cytogenetic location: 8p23.1.
Variant type: Duplication.
Coding change: c.670+203dup on transcript NM_024596.5 (MANE Select); 203 bases into the intron after coding-DNA position 670, one base duplicated (T; older notation c.670+203dupT).
Molecular consequence: intron variant.
Genome position (GRCh38, 1-based): chr8:6,442,359, T duplicated; the last of 8 consecutive T bases (chr8:6,442,352-6,442,359); duplicating any one gives the same sequence. VCF-style (leftmost placement, unchanged base first): chr8-6442351-G-GT. GRCh37 (hg19) VCF-style: chr8-6299872-G-GT.
Other names: c.670+203dup (NM_001322042.2, NM_001363980.2, NM_001363979.1 and 1 more transcripts); c.526+203dup (NM_001172575.2); c.664+203dup (NM_001322043.2); c.568+203dup (NM_001322045.2).
Identifiers: ClinVar variation 672584 (VCV000672584.1), dbSNP rs34324014, ClinGen allele CA171401626.